The following is an entry in ClinVar:

ClinVar aggregate classification (germline): Uncertain significance (1 of 4 stars; one submission).

Conditions:
Immunodeficiency, common variable, 10. Also called: DEFICIT IN ANTERIOR PITUITARY FUNCTION AND VARIABLE IMMUNODEFICIENCY; IMMUNODEFICIENCY, COMMON VARIABLE, WITH CENTRAL ADRENAL INSUFFICIENCY. Identifiers: MedGen C3809991, MONDO:0014260, OMIM 615577.

gnomAD v4.1: 14 of 1,613,226 alleles (0.00087%); highest among the groups gnomAD compares: African/African-American, 0.0013%; no homozygotes.

Submission:

Labcorp Genetics (formerly Invitae), Labcorp
Classification: Uncertain significance for Immunodeficiency, common variable, 10. Last evaluated: 2025-10-21. Review status: criteria provided, single submitter. Criteria: Invitae Variant Classification Sherloc (09022015). Collection method: clinical testing. Allele origin: germline.
Comment: This sequence change replaces serine, which is neutral and polar, with cysteine, which is neutral and slightly polar, at codon 99 of the NFKB2 protein (p.Ser99Cys). This variant is not present in population databases (gnomAD no frequency). This variant has not been reported in the literature in individuals affected with NFKB2-related conditions. ClinVar contains an entry for this variant (Variation ID: 1390796). An algorithm developed to predict the effect of missense changes on protein structure and function (PolyPhen-2) suggests that this variant is likely to be disruptive. In summary, the available evidence is currently insufficient to determine the role of this variant in disease. Therefore, it has been classified as a Variant of Uncertain Significance.

NM_001322934.2(NFKB2):c.295A>T (p.Ser99Cys)

Gene: NFKB2 (nuclear factor kappa B subunit 2; plus strand). Cytogenetic location: 10q24.32.
Variant type: single nucleotide variant.
Coding change: c.295A>T on transcript NM_001322934.2 (MANE Select); coding-DNA position 295, A replaced by T.
Protein change: p.Ser99Cys; replaces serine 99 with cysteine.
Molecular consequence: missense variant.
Genome position (GRCh38, 1-based): chr10:102,396,955, A>T. VCF-style: chr10-102396955-A-T. GRCh37 (hg19) VCF-style: chr10-104156712-A-T.
Other names: c.295A>T, p.Ser99Cys (NM_001077494.3, NM_001261403.3, NM_001288724.1 and 2 more transcripts); short protein forms S99C.
Identifiers: ClinVar variation 1390796 (VCV001390796.8), dbSNP rs2135429749, ClinGen allele CA377896368.